The following is an entry in ClinVar:

NM_012188.5(FOXI1):c.72G>T (p.Glu24Asp)

Gene: FOXI1 (forkhead box I1; plus strand). Cytogenetic location: 5q35.1.
Variant type: single nucleotide variant.
Coding change: c.72G>T on transcript NM_012188.5 (MANE Select); coding-DNA position 72, G replaced by T.
Protein change: p.Glu24Asp; replaces glutamic acid 24 with aspartic acid.
Molecular consequence: missense variant.
Genome position (GRCh38, 1-based): chr5:170,106,029, G>T. VCF-style: chr5-170106029-G-T. GRCh37 (hg19) VCF-style: chr5-169533033-G-T.
Other names: c.72G>T, p.Glu24Asp (NM_144769.4); short protein forms E24D.
Identifiers: ClinVar variation 1911901 (VCV001911901.5), dbSNP rs2532546480, ClinGen allele CA362123788.

ClinVar aggregate classification (germline): Uncertain significance (1 of 4 stars; one submission).

Submission:

Labcorp Genetics (formerly Invitae), Labcorp
Classification: Uncertain significance. Last evaluated: 2022-07-05. Review status: criteria provided, single submitter. Criteria: Invitae Variant Classification Sherloc (09022015). Collection method: clinical testing. Allele origin: germline.
Comment: In summary, the available evidence is currently insufficient to determine the role of this variant in disease. Therefore, it has been classified as a Variant of Uncertain Significance. Algorithms developed to predict the effect of missense changes on protein structure and function are either unavailable or do not agree on the potential impact of this missense change (SIFT: "Deleterious"; PolyPhen-2: "Probably Damaging"; Align-GVGD: "Class C0"). This variant has not been reported in the literature in individuals affected with FOXI1-related conditions. This variant is not present in population databases (gnomAD no frequency). This sequence change replaces glutamic acid, which is acidic and polar, with aspartic acid, which is acidic and polar, at codon 24 of the FOXI1 protein (p.Glu24Asp).